The following is an entry in ClinVar:

NM_001048174.2(MUTYH):c.1220_1225del (p.His407_Leu408del)

Gene: MUTYH (mutY DNA glycosylase; minus strand). Cytogenetic location: 1p34.1.
Variant type: Deletion.
Coding change: c.1220_1225del on transcript NM_001048174.2 (MANE Select); coding-DNA positions 1220 to 1225, 6 bases deleted (ACCTCC; older notation c.1220_1225delACCTCC).
Protein change: p.His407_Leu408del.
Molecular consequence: inframe deletion. On other transcripts: non-coding transcript variant (2).
Genome position (GRCh38, 1-based): chr1:45,331,434-45,331,439, GGAGGT deleted on the plus strand (ACCTCC on the coding strand, the reverse complement: MUTYH is on the minus strand); deleting any 6 consecutive bases within chr1:45,331,434-45,331,440 gives the same sequence; the c. name uses the placement nearest the transcript's 3' end. VCF-style (leftmost placement, unchanged base first): chr1-45331433-CGGAGGT-C. GRCh37 (hg19) VCF-style: chr1-45797105-CGGAGGT-C.
Other names: c.1220_1225del, p.His407_Leu408del (NM_001048171.2, NM_001048173.2, NM_001293195.2); c.1223_1228del, p.His408_Leu409del (NM_001048172.2); c.1304_1309del, p.His435_Leu436del (NM_001128425.2); c.1265_1270del, p.His422_Leu423del (NM_001293190.2); c.1253_1258del, p.His418_Leu419del (NM_001293191.2); c.944_949del, p.His315_Leu316del (NM_001293192.2, NM_001293196.2); c.875_880del, p.His292_Leu293del (NM_001350650.2, NM_001350651.2); c.1295_1300del, p.His432_Leu433del (NM_012222.3).
Identifiers: ClinVar variation 1056539 (VCV001056539.9), dbSNP rs2149117529, ClinGen allele CA2499214757.
Genomic context (GRCh38, chr1:45,331,433, plus strand): 5'-TATAGCCTCAAAAGCCAACATCCTTGGCTATTCCGCTGCTCACTTACCTCCCCAAGGTGC[CGGAGGT>C]GCGTGGCTGGGAGGGGCCCAGCCCAACGCTGTAGTTCCTGCAGCAGGGCCTTGCGCTGAA-3'

ClinVar aggregate classification (germline): Uncertain significance (1 of 4 stars; one submission).

Conditions:
Familial adenomatous polyposis 2. Also called: Adenomas, multiple colorectal; MUTYH Polyposis; COLORECTAL ADENOMATOUS POLYPOSIS, AUTOSOMAL RECESSIVE; ADENOMAS, MULTIPLE COLORECTAL, AUTOSOMAL RECESSIVE; FAP type 2; MUTYH-associated polyposis. Identifiers: Orphanet 220460, Orphanet 247798, MedGen C3272841, MONDO:0012041, OMIM 608456.

Submission:

Labcorp Genetics (formerly Invitae), Labcorp
Classification: Uncertain significance for Familial adenomatous polyposis 2. Last evaluated: 2020-06-25. Review status: criteria provided, single submitter. Criteria: Invitae Variant Classification Sherloc (09022015). Collection method: clinical testing. Allele origin: germline.
Comment: In summary, the available evidence is currently insufficient to determine the role of this variant in disease. Therefore, it has been classified as a Variant of Uncertain Significance. Experimental studies and prediction algorithms are not available or were not evaluated, and the functional significance of this variant is currently unknown. This variant has not been reported in the literature in individuals with MUTYH-related conditions. This variant is not present in population databases (ExAC no frequency). This variant, c.1304_1309del, results in the deletion of 2 amino acid(s) of the MUTYH protein (p.His435_Leu436del), but otherwise preserves the integrity of the reading frame.